The following is an entry in ClinVar:

ClinVar aggregate classification (germline): Benign/Likely benign. Review status: criteria provided, multiple submitters, no conflicts (2 of 4 stars). 3 submissions from 3 submitters: Benign (1); Likely benign (2). Last evaluated 2026-01-20.

Conditions:
Lynch syndrome 5 (LYNCH5). Also called: Hereditary non-polyposis colorectal cancer, type 5; Colorectal cancer, hereditary nonpolyposis, type 5. Identifiers: Orphanet 144, MedGen C1833477, MONDO:0013710, OMIM 614350. Disease mechanism: loss of function.
Hereditary nonpolyposis colorectal neoplasms. Identifiers: MedGen C0009405, MeSH D003123.
Hereditary cancer-predisposing syndrome. Also called: Hereditary Cancer Syndrome; Neoplastic Syndromes, Hereditary; Hereditary neoplastic syndrome; Tumor predisposition. Identifiers: Orphanet 140162, MedGen C0027672, MeSH D009386, MONDO:0015356.

Submissions (3):

Institute for Biomarker Research, Medical Diagnostic Laboratories, L.L.C.
Classification: Likely benign for Hereditary cancer-predisposing syndrome. Last evaluated: 2026-01-20. Review status: criteria provided, single submitter. Criteria: ACMG Guidelines, 2015. Collection method: clinical testing. Allele origin: germline.
Comment: The synonymous variant NM_000179.3(MSH6):c.1533G>A (p.Arg511=) has been reported to ClinVar as Benign/Likely benign with a status of (2 stars) criteria provided, multiple submitters, no conflicts (Accession: VCV001111620.9). The p.Arg511= variant is not predicted to disrupt an existing splice site. The p.Arg511= variant results in a substitution of a base that is not predicted conserved by GERP++ and PhyloP. For these reasons, this variant has been classified as Likely Benign.

Myriad Genetics, Inc.
Classification: Benign for Lynch syndrome 5. Last evaluated: 2024-12-26. Review status: criteria provided, single submitter. Criteria: Myriad Autosomal Dominant, Autosomal Recessive and X-Linked Classification Criteria (2023). Collection method: clinical testing. Allele origin: unknown.
Comment: This variant is considered benign. This variant is a silent/synonymous amino acid change and it is not expected to impact splicing.

Labcorp Genetics (formerly Invitae), Labcorp
Classification: Likely benign for Hereditary nonpolyposis colorectal neoplasms. Last evaluated: 2019-07-01. Review status: criteria provided, single submitter. Criteria: Invitae Variant Classification Sherloc (09022015). Collection method: clinical testing. Allele origin: germline.

NM_000179.3(MSH6):c.1533G>A (p.Arg511=)

Gene: MSH6 (mutS homolog 6; plus strand). Cytogenetic location: 2p16.3.
Variant type: single nucleotide variant.
Coding change: c.1533G>A on transcript NM_000179.3 (MANE Select); coding-DNA position 1533, G replaced by A.
Protein change: p.Arg511=; no amino-acid change (arginine 511 retained).
Molecular consequence: synonymous variant.
Genome position (GRCh38, 1-based): chr2:47,799,516, G>A. VCF-style: chr2-47799516-G-A. GRCh37 (hg19) VCF-style: chr2-48026655-G-A.
Other names: c.1143G>A, p.Arg381= (NM_001281492.2); c.627G>A, p.Arg209= (NM_001281493.2, NM_001281494.2).
Identifiers: ClinVar variation 1111620 (VCV001111620.11), dbSNP rs2104350000, ClinGen allele CA426121213.